The following is an entry in ClinVar:

NM_001609.4(ACADSB):c.*4135G>A

Gene: ACADSB (acyl-CoA dehydrogenase short/branched chain; plus strand). Cytogenetic location: 10q26.13.
Variant type: single nucleotide variant.
Coding change: c.*4135G>A on transcript NM_001609.4 (MANE Select); 4135 bases downstream of the stop codon, G replaced by A.
Molecular consequence: 3 prime UTR variant.
Genome position (GRCh38, 1-based): chr10:123,057,900, G>A. VCF-style: chr10-123057900-G-A. GRCh37 (hg19) VCF-style: chr10-124817416-G-A.
Other names: c.*4135G>A (NM_001330174.3).
Identifiers: ClinVar variation 299157 (VCV000299157.5), dbSNP rs74159956, ClinGen allele CA10634899.

ClinVar aggregate classification (germline): Benign (1 of 4 stars; one submission).

Conditions:
Deficiency of 2-methylbutyryl-CoA dehydrogenase (ACADSB). Also called: 2-methylbutyryl-CoA dehydrogenase deficiency; SBCAD deficiency; 2-methylbutyric aciduria; Short branched-chain acyl-CoA dehydrogenase deficiency; 2-methylbutyrylglycinuria. Identifiers: Orphanet 79157, MedGen C1864912, MONDO:0012392, OMIM 610006, HP:0020147.

Allele frequency attached by ClinVar (database versions not stated): gnomAD 0.01855 and 0.01990; 1000 Genomes Project 0.01997; TOPMed 0.02075; 1000 Genomes Project 30x 0.02077.

Submission:

Illumina Laboratory Services, Illumina
Classification: Benign for Deficiency of 2-methylbutyryl-CoA dehydrogenase. Last evaluated: 2018-01-13. Review status: criteria provided, single submitter. Criteria: ICSL Variant Classification Criteria 13 December 2019. Collection method: clinical testing. Allele origin: germline.
Comment: This variant was observed in the ICSL laboratory as part of a predisposition screen in an ostensibly healthy population. It had not been previously curated by ICSL or reported in the Human Gene Mutation Database (HGMD: prior to June 1st, 2018), and was therefore a candidate for classification through an automated scoring system. Utilizing variant allele frequency, disease prevalence and penetrance estimates, and inheritance mode, an automated score was calculated to assess if this variant is too frequent to cause the disease. Based on the score and internal cut-off values, a variant classified as benign is not then subjected to further curation. The score for this variant resulted in a classification of benign for this disease.